The following is an entry in ClinVar:

NM_080424.4(SP110):c.1984C>T (p.Arg662Ter)

Gene: SP110 (SP110 nuclear body protein; minus strand). Cytogenetic location: 2q37.1.
Variant type: single nucleotide variant.
Coding change: c.1984C>T on transcript NM_080424.4 (MANE Select); coding-DNA position 1984, C replaced by T.
Protein change: p.Arg662Ter; replaces arginine 662 with a stop codon.
Molecular consequence: nonsense. On other transcripts: intron variant (1).
Genome position (GRCh38, 1-based): chr2:230,170,665, G>A on the plus strand (C>T on the coding strand, the complement: SP110 is on the minus strand). VCF-style: chr2-230170665-G-A. GRCh37 (hg19) VCF-style: chr2-231035381-G-A.
Other names: c.2080C>T, p.Arg694Ter (NM_001378442.1); c.2062C>T, p.Arg688Ter (NM_001378443.1); c.2002C>T, p.Arg668Ter (NM_001378444.1); c.1930C>T, p.Arg644Ter (NM_001378445.1); c.1912C>T, p.Arg638Ter (NM_004509.5); c.1833+1401C>T (NM_001378446.1); short protein forms R638*, R644*, R662*, R668*, R688*, R694*.
Identifiers: ClinVar variation 1325112 (VCV001325112.8), dbSNP rs201059449, ClinGen allele CA2154283.

ClinVar aggregate classification (germline): Conflicting classifications of pathogenicity. Review status: criteria provided, conflicting classifications (1 of 4 stars). 2 submissions from 2 submitters: Likely pathogenic (1); Uncertain significance (1). Last evaluated 2021-10-14.

Conditions:
Hepatic veno-occlusive disease-immunodeficiency syndrome. Also called: Hepatic Veno-Occlusive Disease with Immunodeficiency. Identifiers: Orphanet 79124, MedGen C1856128, MONDO:0009338, OMIM 235550. Disease mechanism: loss of function.

Allele frequency attached by ClinVar (database versions not stated): ExAC 0.00001; TOPMed 0.00002; gnomAD 0.00003; gnomAD exomes 0.00004.
gnomAD v4.1: 49 of 1,613,896 alleles (0.003%); highest among the groups gnomAD compares: East Asian, 0.0067%; no homozygotes.

Submissions (2):

Labcorp Genetics (formerly Invitae), Labcorp
Classification: Uncertain significance for Hepatic veno-occlusive disease-immunodeficiency syndrome. Last evaluated: 2021-10-14. Review status: criteria provided, single submitter. Criteria: Invitae Variant Classification Sherloc (09022015). Collection method: clinical testing. Allele origin: germline.
Comment: This sequence change creates a premature translational stop signal (p.Arg638*) in the SP110 gene. While this is not anticipated to result in nonsense mediated decay, it is expected to disrupt the last 52 amino acid(s) of the SP110 protein. This variant is present in population databases (rs201059449, ExAC 0.001%). This variant has not been reported in the literature in individuals affected with SP110-related conditions. Experimental studies and prediction algorithms are not available or were not evaluated, and the functional significance of this variant is currently unknown. Algorithms developed to predict the effect of sequence changes on RNA splicing suggest that this variant may create or strengthen a splice site. In summary, the available evidence is currently insufficient to determine the role of this variant in disease. Therefore, it has been classified as a Variant of Uncertain Significance.

Revvity Omics, Revvity
Classification: Likely pathogenic for Hepatic veno-occlusive disease-immunodeficiency syndrome. Last evaluated: 2020-08-03. Review status: criteria provided, single submitter. Criteria: ACMG Guidelines, 2015. Collection method: clinical testing. Allele origin: germline.